The following is an entry in ClinVar:

ClinVar aggregate classification (germline): Uncertain significance (1 of 4 stars; one submission).

Submission:

Labcorp Genetics (formerly Invitae), Labcorp
Classification: Uncertain significance. Last evaluated: 2024-03-01. Review status: criteria provided, single submitter. Criteria: Invitae Variant Classification Sherloc (09022015). Collection method: clinical testing. Allele origin: germline.
Comment: This sequence change replaces proline, which is neutral and non-polar, with serine, which is neutral and polar, at codon 2028 of the HMCN1 protein (p.Pro2028Ser). This variant is not present in population databases (gnomAD no frequency). This variant has not been reported in the literature in individuals affected with HMCN1-related conditions. An algorithm developed to predict the effect of missense changes on protein structure and function (PolyPhen-2) suggests that this variant is likely to be tolerated. In summary, the available evidence is currently insufficient to determine the role of this variant in disease. Therefore, it has been classified as a Variant of Uncertain Significance.

NM_031935.3(HMCN1):c.6082C>T (p.Pro2028Ser)

Gene: HMCN1 (hemicentin 1; plus strand). Cytogenetic location: 1q31.1.
Variant type: single nucleotide variant.
Coding change: c.6082C>T on transcript NM_031935.3 (MANE Select); coding-DNA position 6082, C replaced by T.
Protein change: p.Pro2028Ser; replaces proline 2028 with serine.
Molecular consequence: missense variant.
Genome position (GRCh38, 1-based): chr1:186,039,781, C>T. VCF-style: chr1-186039781-C-T. GRCh37 (hg19) VCF-style: chr1-186008913-C-T.
Other names: short protein forms P2028S.
Identifiers: ClinVar variation 2808462 (VCV002808462.3), dbSNP rs771301411, ClinGen allele CA343898696.